The following is an entry in ClinVar:

NM_006348.5(COG5):c.787G>A (p.Ala263Thr)

Gene: COG5 (component of oligomeric golgi complex 5; minus strand). Cytogenetic location: 7q22.3.
Variant type: single nucleotide variant.
Coding change: c.787G>A on transcript NM_006348.5 (MANE Select); coding-DNA position 787, G replaced by A.
Protein change: p.Ala263Thr; replaces alanine 263 with threonine.
Molecular consequence: missense variant. On other transcripts: intron variant (2).
Genome position (GRCh38, 1-based): chr7:107,372,643, C>T on the plus strand (G>A on the coding strand, the complement: COG5 is on the minus strand). VCF-style: chr7-107372643-C-T. GRCh37 (hg19) VCF-style: chr7-107013088-C-T.
Other names: c.787G>A, p.Ala263Thr (NM_001161520.2, NM_001379511.1, NM_001379512.1 and 3 more transcripts); c.235-10533G>A (NM_001379516.1); c.539-74297G>A (NM_001379515.1); c.880G>A (NM_006348.3); short protein forms A263T.
Identifiers: ClinVar variation 1981122 (VCV001981122.5), dbSNP rs773613017, ClinGen allele CA4431107.

ClinVar aggregate classification (germline): Uncertain significance. Review status: criteria provided, multiple submitters, no conflicts (2 of 4 stars). 2 submissions from 2 submitters: Uncertain significance (2). Last evaluated 2025-10-07.

Conditions:
Inborn genetic diseases. Identifiers: MedGen C0950123, MeSH D030342.
COG5-congenital disorder of glycosylation. Also called: COG5-CDG; CDG IIi; CONGENITAL DISORDER OF GLYCOSYLATION, TYPE IIi. Identifiers: Orphanet 263487, MedGen C3150876, MONDO:0013325, OMIM 613612.

Allele frequency attached by ClinVar (database versions not stated): TOPMed 0.00001; ExAC 0.00001.

Submissions (2):

Ambry Genetics
Classification: Uncertain significance for Inborn genetic diseases. Last evaluated: 2025-10-07. Review status: criteria provided, single submitter. Criteria: Ambry Variant Classification Scheme 2023. Collection method: clinical testing. Allele origin: germline.

Labcorp Genetics (formerly Invitae), Labcorp
Classification: Uncertain significance for COG5-congenital disorder of glycosylation. Last evaluated: 2025-06-09. Review status: criteria provided, single submitter. Criteria: Invitae Variant Classification Sherloc (09022015). Collection method: clinical testing. Allele origin: germline.
Comment: This sequence change replaces alanine, which is neutral and non-polar, with threonine, which is neutral and polar, at codon 294 of the COG5 protein (p.Ala294Thr). This variant is present in population databases (rs773613017, gnomAD 0.007%). This variant has not been reported in the literature in individuals affected with COG5-related conditions. ClinVar contains an entry for this variant (Variation ID: 1981122). Invitae Evidence Modeling of protein sequence and biophysical properties (such as structural, functional, and spatial information, amino acid conservation, physicochemical variation, residue mobility, and thermodynamic stability) indicates that this missense variant is not expected to disrupt COG5 protein function with a negative predictive value of 80%. In summary, the available evidence is currently insufficient to determine the role of this variant in disease. Therefore, it has been classified as a Variant of Uncertain Significance.